The following is an entry in ClinVar:

ClinVar aggregate classification (germline): Likely benign (1 of 4 stars; one submission).

Conditions:
Leigh syndrome (NULS). Also called: Leigh's necrotizing encephalopathy; Leigh's disease; Leigh Syndrome (mtDNA deletion); Leigh's syndrome; Leigh Disease; Subacute necrotizing encephalopathy. Identifiers: Orphanet 506, MedGen C2931891, MONDO:0009723, OMIM 256000.

Allele frequency attached by ClinVar (database versions not stated): gnomAD 0.01382 and 0.01485; TOPMed 0.01461; gnomAD exomes 0.00106; 1000 Genomes Project 30x 0.01577; 1000 Genomes Project 0.01597.
gnomAD v4.1: 2,515 of 537,072 alleles (0.47%); highest among the groups gnomAD compares: African/African-American, 4.7%; 61 homozygotes.

Submission:

Illumina Laboratory Services, Illumina
Classification: Likely benign for Leigh syndrome. Last evaluated: 2018-01-12. Review status: criteria provided, single submitter. Criteria: ICSL Variant Classification Criteria 13 December 2019. Collection method: clinical testing. Allele origin: germline.
Comment: This variant was observed in the ICSL laboratory as part of a predisposition screen in an ostensibly healthy population. It had not been previously curated by ICSL or reported in the Human Gene Mutation Database (HGMD: prior to June 1st, 2018), and was therefore a candidate for classification through an automated scoring system. Utilizing variant allele frequency, disease prevalence and penetrance estimates, and inheritance mode, an automated score was calculated to assess if this variant is too frequent to cause the disease. Based on the score and internal cut-off values, a variant classified as likely benign is not then subjected to further curation. The score for this variant resulted in a classification of likely benign for this disease.

NM_078470.6(COX15):c.*1693G>A

Gene: COX15 (cytochrome c oxidase assembly factor COX15; minus strand). Cytogenetic location: 10q24.2.
Variant type: single nucleotide variant.
Coding change: c.*1693G>A on transcript NM_078470.6 (MANE Select); 1693 bases downstream of the stop codon, G replaced by A.
Molecular consequence: 3 prime UTR variant. On other transcripts: non-coding transcript variant (1), intron variant (1).
Genome position (GRCh38, 1-based): chr10:99,712,894, C>T on the plus strand (G>A on the coding strand, the complement: COX15 is on the minus strand). VCF-style: chr10-99712894-C-T. GRCh37 (hg19) VCF-style: chr10-101472651-C-T.
Other names: c.*1874G>A (NM_001320975.2); c.*1693G>A (NM_001320976.2, NM_001372025.1, NM_001372026.1); c.*912G>A (NM_001372024.1); c.*1797G>A (NM_001372027.1); c.*1120G>A (NM_001372028.1); c.*520G>A (NM_004376.7); c.1101+3454G>A (NM_001320974.2).
Identifiers: ClinVar variation 298405 (VCV000298405.5), dbSNP rs74981084, ClinGen allele CA10629642.
Genomic context (GRCh38, chr10:99,712,894, plus strand): 5'-TTCATCCATTGCTGCCAGCTCTGCAGCATAATGGAAGCTCATTCCCTCTTCTGCATGAGA[C>T]GGCTTCAACTTCTCAAGGACAGGAATCTTGCTCTCTCTCCAGATGTTCTCTGCTCCAGTT-3'